The following is an entry in ClinVar:

ClinVar aggregate classification (germline): Uncertain significance. Review status: criteria provided, multiple submitters, no conflicts (2 of 4 stars). 4 submissions from 4 submitters: Uncertain significance (4). Last evaluated 2024-08-30.

Conditions:
Congenital contractural arachnodactyly (CCA). Also called: Arthrogryposis, distal, type 9; Beals-Hecht syndrome; BEALS SYNDROME. Identifiers: Orphanet 115, MedGen C0220668, MONDO:0007363, OMIM 121050.
Familial thoracic aortic aneurysm and aortic dissection (TAAD). Also called: Thoracic aortic aneurysms and dissections. Identifiers: Orphanet 91387, MedGen C4707243, MONDO:0019625.

gnomAD v4.1: 2 of 1,613,986 alleles (0.00012%); highest among the groups gnomAD compares: Non-Finnish European, 0.00017%; no homozygotes.

Submissions (4):

GeneDx
Classification: Uncertain significance. Last evaluated: 2024-08-30. Review status: criteria provided, single submitter. Criteria: GeneDx Variant Classification Process June 2021. Collection method: clinical testing. Allele origin: germline. Affected: yes.
Comment: Has not been previously published as pathogenic or benign to our knowledge; Not observed at significant frequency in large population cohorts (gnomAD); In silico analysis is inconclusive as to whether the variant alters gene splicing. In the absence of RNA/functional studies, the actual effect of this sequence change is unknown.; In silico analysis supports that this missense variant has a deleterious effect on protein structure/function; This variant is associated with the following publications: (PMID: 19006240, 18767143)

Labcorp Genetics (formerly Invitae), Labcorp
Classification: Uncertain significance for Congenital contractural arachnodactyly. Last evaluated: 2024-05-13. Review status: criteria provided, single submitter. Criteria: Invitae Variant Classification Sherloc (09022015). Collection method: clinical testing. Allele origin: germline.
Comment: This sequence change replaces arginine, which is basic and polar, with cysteine, which is neutral and slightly polar, at codon 1164 of the FBN2 protein (p.Arg1164Cys). This variant is not present in population databases (gnomAD no frequency). This variant has not been reported in the literature in individuals affected with FBN2-related conditions. ClinVar contains an entry for this variant (Variation ID: 264140). Advanced modeling of protein sequence and biophysical properties (such as structural, functional, and spatial information, amino acid conservation, physicochemical variation, residue mobility, and thermodynamic stability) performed at Invitae indicates that this missense variant is not expected to disrupt FBN2 protein function with a negative predictive value of 80%. Algorithms developed to predict the effect of sequence changes on RNA splicing suggest that this variant may disrupt the consensus splice site. In summary, the available evidence is currently insufficient to determine the role of this variant in disease. Therefore, it has been classified as a Variant of Uncertain Significance.

Ambry Genetics
Classification: Uncertain significance for Familial thoracic aortic aneurysm and aortic dissection. Last evaluated: 2023-12-05. Review status: criteria provided, single submitter. Criteria: Ambry Variant Classification Scheme 2023. Collection method: clinical testing. Allele origin: germline.
Comment: The p.R1164C variant (also known as c.3490C>T), located in coding exon 27 of the FBN2 gene, results from a C to T substitution at nucleotide position 3490. The arginine at codon 1164 is replaced by cysteine, an amino acid with highly dissimilar properties. In one study, 13 of 14 reportedFBN2mutations were located in the middle region of the gene (exons24-36), and 7of these mutations were noted to alter or produce a cysteine residue (CallewaertBL et al.HumMutat. 2009;30(3):334-341). This amino acid position is conserved in all available species, except opossum. In addition, this alteration is predicted to be deleterious by in silico analysis. Since supporting evidence is limited at this time, the clinical significance of this variant remains unclear.

CeGaT Center for Human Genetics Tuebingen
Classification: Uncertain significance. Last evaluated: 2023-07-01. Review status: criteria provided, single submitter. Criteria: CeGaT Center For Human Genetics Tuebingen Variant Classification Criteria Version 2. Collection method: clinical testing. Allele origin: germline. Affected: yes. Observed: 1 variant allele.
Comment: FBN2: PM2, PP3

NM_001999.4(FBN2):c.3490C>T (p.Arg1164Cys)

Gene: FBN2 (fibrillin 2; minus strand). Cytogenetic location: 5q23.3.
Variant type: single nucleotide variant.
Coding change: c.3490C>T on transcript NM_001999.4 (MANE Select); coding-DNA position 3490, C replaced by T.
Protein change: p.Arg1164Cys; replaces arginine 1164 with cysteine.
Molecular consequence: missense variant.
Genome position (GRCh38, 1-based): chr5:128,338,105, G>A on the plus strand (C>T on the coding strand, the complement: FBN2 is on the minus strand). VCF-style: chr5-128338105-G-A. GRCh37 (hg19) VCF-style: chr5-127673797-G-A.
Other names: short protein forms R1164C.
Identifiers: ClinVar variation 264140 (VCV000264140.38), dbSNP rs886039059, ClinGen allele CA10587614.
Genomic context (GRCh38, chr5:128,338,105, plus strand): 5'-CACACTGAAAGCTGCCCTCAGTGTTCACACAGGTGCCACCCCTACAAAGGAGAGGGTTAC[G>A]TTCACATTCGTCAATGTCTGAAAGGTAAAAACGTGAGATCCATTAAAGAACTCTGAGGGA-3'
Protein context (NP_001990.2, residues 1154-1174): KNCMDIDECE[Arg1164Cys]NPLLCRGGTC